The following is an entry in ClinVar:

NC_000012.11:g.(?_6950452)_(6979547_?)dup

Genes: CDCA3 (cell division cycle associated 3; minus strand), GNB3 (G protein subunit beta 3; plus strand), TPI1 (triosephosphate isomerase 1; plus strand), USP5 (ubiquitin specific peptidase 5; plus strand). Cytogenetic location: 12p13.31.
Variant type: Duplication.
Identifiers: ClinVar variation 1374034 (VCV001374034.4).

ClinVar aggregate classification (germline): Uncertain significance (1 of 4 stars; one submission).

Submission:

Labcorp Genetics (formerly Invitae), Labcorp
Classification: Uncertain significance. Last evaluated: 2022-08-09. Review status: criteria provided, single submitter. Criteria: Invitae Variant Classification Sherloc (09022015). Collection method: clinical testing. Allele origin: germline.
Comment: A copy number gain of the genomic region encompassing the full coding sequence of the GNB3 gene has been identified. The boundaries of this event are unknown as they extend beyond the assayed region for this gene and therefore may encompass additional genes. As the precise location of this event is unknown, it may be in tandem or it may be located elsewhere in the genome. This variant has not been reported in the literature in individuals affected with GNB3-related conditions. Experimental studies and prediction algorithms are not available or were not evaluated, and the functional significance of this variant is currently unknown. In summary, the available evidence is currently insufficient to determine the role of this variant in disease. Therefore, it has been classified as a Variant of Uncertain Significance.